The following is an entry in ClinVar:

ClinVar aggregate classification (germline): Uncertain significance (1 of 4 stars; one submission).

Conditions:
Malaria, susceptibility to. Identifiers: Orphanet 673, MedGen C1970028, MONDO:0021024, OMIM 611162.

Allele frequency attached by ClinVar (database versions not stated): gnomAD exomes below 0.00001; TOPMed 0.00001.
gnomAD v4.1: 2 of 1,614,174 alleles (0.00012%); highest among the groups gnomAD compares: Non-Finnish European, 0.00017%; no homozygotes.

Submission:

Center for Genomics, Ann and Robert H. Lurie Children's Hospital of Chicago
Classification: Uncertain significance for Malaria, susceptibility to. Last evaluated: 2021-04-29. Review status: criteria provided, single submitter. Criteria: ACMG Guidelines, 2015. Collection method: clinical testing. Allele origin: germline.
Comment: ICAM1 NM_000201.2 exon 7 p.Gln516* (c.1546C>T): This variant has not been reported in the literature and is not present in large control databases. Evolutionary conservation and computational predictive tools for this variant are limited or unavailable. This variant creates a premature stop at this codon which results in an absent or abnormal protein. However, there is insufficient evidence to establish loss of function (LOF) as a mechanism of disease for this gene at this time. In addition, this variant occurs within the last exon of this gene; due to its position, it is possible that this protein may escape nonsense mediated decay. Further studies are needed to understand its impact. In summary, data on this variant is insufficient for disease classification. Therefore, the clinical significance of this variant is uncertain.

NM_000201.3(ICAM1):c.1546C>T (p.Gln516Ter)

Gene: ICAM1 (intercellular adhesion molecule 1; plus strand). Cytogenetic location: 19p13.2.
Variant type: single nucleotide variant.
Coding change: c.1546C>T on transcript NM_000201.3 (MANE Select); coding-DNA position 1546, C replaced by T.
Protein change: p.Gln516Ter; replaces glutamine 516 with a stop codon.
Molecular consequence: nonsense.
Genome position (GRCh38, 1-based): chr19:10,285,234, C>T. VCF-style: chr19-10285234-C-T. GRCh37 (hg19) VCF-style: chr19-10395910-C-T.
Other names: short protein forms Q516*.
Identifiers: ClinVar variation 1675089 (VCV001675089.1), dbSNP rs1225105373, ClinGen allele CA403961001.